The following is an entry in ClinVar:

NM_007294.4(BRCA1):c.5586C>A (p.His1862Gln)

Gene: BRCA1 (BRCA1 DNA repair associated; minus strand). Cytogenetic location: 17q21.31.
Variant type: single nucleotide variant.
Coding change: c.5586C>A on transcript NM_007294.4 (MANE Select); coding-DNA position 5586, C replaced by A.
Protein change: p.His1862Gln; replaces histidine 1862 with glutamine.
Molecular consequence: missense variant. On other transcripts: 3 prime UTR variant (17).
Genome position (GRCh38, 1-based): chr17:43,045,684, G>T on the plus strand (C>A on the coding strand, the complement: BRCA1 is on the minus strand). VCF-style: chr17-43045684-G-T. GRCh37 (hg19) VCF-style: chr17-41197701-G-T.
Other names: c.5316C>A, p.His1772Gln (NM_001407935.1, NM_001407936.1, NM_001407934.1); c.5463C>A, p.His1821Gln (NM_001407667.1, NM_001407668.1, NM_001407669.1 and 3 more transcripts); c.*100C>A (NM_001407937.1, NM_001407938.1, NM_001407939.1 and 14 more transcripts); c.5460C>A, p.His1820Gln (NM_001407670.1, NM_001407672.1, NM_001407673.1 and 8 more transcripts); c.5253C>A, p.His1751Gln (NM_001407946.1, NM_001407947.1, NM_001407948.1 and 1 more transcripts); c.5373C>A, p.His1791Gln (NM_001407897.1, NM_001407898.1, NM_001407899.1 and 12 more transcripts); c.5370C>A, p.His1790Gln (NM_001407915.1, NM_001407916.1, NM_001407917.1 and 1 more transcripts); c.5334C>A, p.His1778Gln (NM_001407919.1); and 74 more; short protein forms H1733Q, H1749Q, H1774Q, H1790Q, H1794Q, H1815Q, H1819Q, H1834Q.
Identifiers: ClinVar variation 2774824 (VCV002774824.2), dbSNP rs774127304, ClinGen allele CA10590153.

ClinVar aggregate classification (germline): Uncertain significance (1 of 4 stars; one submission).

Conditions:
Hereditary cancer-predisposing syndrome. Also called: Neoplastic Syndromes, Hereditary; Tumor predisposition; Hereditary Cancer Syndrome; Hereditary neoplastic syndrome. Identifiers: Orphanet 140162, MedGen C0027672, MeSH D009386, MONDO:0015356.

Submission:

Color Diagnostics, LLC DBA Color Health
Classification: Uncertain significance for Hereditary cancer-predisposing syndrome. Last evaluated: 2023-07-24. Review status: criteria provided, single submitter. Criteria: ACMG Guidelines, 2015. Collection method: clinical testing. Allele origin: germline.
Comment: This missense variant replaces histidine with glutamine at codon 1862 of the BRCA1 protein. Computational prediction is inconclusive regarding the impact of this variant on protein structure and function (internally defined REVEL score threshold 0.5 < inconclusive < 0.7, PMID: 27666373). To our knowledge, functional studies have not been reported for this variant. This variant has not been reported in individuals affected with BRCA1-related disorders in the literature. This variant has not been identified in the general population by the Genome Aggregation Database (gnomAD). The available evidence is insufficient to determine the role of this variant in disease conclusively. Therefore, this variant is classified as a Variant of Uncertain Significance.